The following is an entry in ClinVar:

NM_000387.6(SLC25A20):c.824G>A (p.Arg275Gln)

Gene: SLC25A20 (solute carrier family 25 member 20; minus strand). Cytogenetic location: 3p21.31.
Variant type: single nucleotide variant.
Coding change: c.824G>A on transcript NM_000387.6 (MANE Select); coding-DNA position 824, G replaced by A.
Protein change: p.Arg275Gln; replaces arginine 275 with glutamine.
Molecular consequence: missense variant.
Genome position (GRCh38, 1-based): chr3:48,858,526, C>T on the plus strand (G>A on the coding strand, the complement: SLC25A20 is on the minus strand). VCF-style: chr3-48858526-C-T. GRCh37 (hg19) VCF-style: chr3-48895959-C-T.
Other names: short protein forms R275Q.
Identifiers: ClinVar variation 903642 (VCV000903642.12), dbSNP rs376342597, ClinGen allele CA2387283.

ClinVar aggregate classification (germline): Pathogenic/Likely pathogenic. Review status: criteria provided, multiple submitters, no conflicts (2 of 4 stars). 4 submissions from 4 submitters: Pathogenic (2); Likely pathogenic (2). Last evaluated 2025-03-04.

Conditions:
Carnitine acylcarnitine translocase deficiency (CACTD). Identifiers: Orphanet 159, MedGen C0342791, MONDO:0008918, OMIM 212138.

Allele frequency attached by ClinVar (database versions not stated): gnomAD 0.00001; TOPMed 0.00001; gnomAD exomes 0.00003; ExAC 0.00005; ESP Exome Variant Server 0.00008.
gnomAD v4.1: 11 of 1,614,068 alleles (0.00068%); highest among the groups gnomAD compares: East Asian, 0.0045%; no homozygotes.

Submissions (4):

Institute of Human Genetics, University of Leipzig Medical Center
Classification: Likely pathogenic for Carnitine acylcarnitine translocase deficiency. Last evaluated: 2025-03-04. Review status: criteria provided, single submitter. Criteria: ACMG Guidelines, 2015. Collection method: clinical testing. Allele origin: paternal. Inheritance: Autosomal recessive inheritance. Affected: yes.
Comment: Criteria applied: PM2,PM3,PP3,PP4

Labcorp Genetics (formerly Invitae), Labcorp
Classification: Likely pathogenic for Carnitine acylcarnitine translocase deficiency. Last evaluated: 2024-09-03. Review status: criteria provided, single submitter. Criteria: Invitae Variant Classification Sherloc (09022015). Collection method: clinical testing. Allele origin: germline.
Comment: This sequence change replaces arginine, which is basic and polar, with glutamine, which is neutral and polar, at codon 275 of the SLC25A20 protein (p.Arg275Gln). This variant is present in population databases (rs376342597, gnomAD 0.005%). This missense change has been observed in individuals with carnitine-acylcarnitine translocase deficiency (PMID: 32337051). It has also been observed to segregate with disease in related individuals. ClinVar contains an entry for this variant (Variation ID: 903642). Invitae Evidence Modeling of protein sequence and biophysical properties (such as structural, functional, and spatial information, amino acid conservation, physicochemical variation, residue mobility, and thermodynamic stability) indicates that this missense variant is expected to disrupt SLC25A20 protein function with a positive predictive value of 80%. In summary, the currently available evidence indicates that the variant is pathogenic, but additional data are needed to prove that conclusively. Therefore, this variant has been classified as Likely Pathogenic.

Fulgent Genetics
Classification: Pathogenic for Carnitine acylcarnitine translocase deficiency. Last evaluated: 2024-05-30. Review status: criteria provided, single submitter. Criteria: ACMG Guidelines, 2015. Collection method: clinical testing. Allele origin: germline.

Women's Health and Genetics/Laboratory Corporation of America, LabCorp
Classification: Pathogenic for Carnitine acylcarnitine translocase deficiency. Last evaluated: 2024-05-17. Review status: criteria provided, single submitter. Criteria: LabCorp Variant Classification Summary - May 2015. Collection method: clinical testing. Allele origin: germline.
Comment: Variant summary: SLC25A20 c.824G>A (p.Arg275Gln) results in a conservative amino acid change in the encoded protein sequence. Four of five in-silico tools predict a damaging effect of the variant on protein function. The variant allele was found at a frequency of 2.8e-05 in 251396 control chromosomes. c.824G>A has been reported in the literature in multiple homozygous individuals affected with Carnitine-Acylcarnitine Translocase Deficiency (Chinen_2020). These data indicate that the variant is very likely to be associated with disease. To our knowledge, no experimental evidence demonstrating an impact on protein function has been reported. The following publication has been ascertained in the context of this evaluation (PMID: 32337051). ClinVar contains an entry for this variant (Variation ID: 903642). Based on the evidence outlined above, the variant was classified as pathogenic.

Literature cited by the submitters: PubMed 32337051 (cited by Labcorp Genetics (formerly Invitae), Labcorp and Women's Health and Genetics/Laboratory Corporation of America, LabCorp).